The following is an entry in ClinVar:

ClinVar aggregate classification (germline): Uncertain significance (1 of 4 stars; one submission).

Submission:

Labcorp Genetics (formerly Invitae), Labcorp
Classification: Uncertain significance. Last evaluated: 2025-10-10. Review status: criteria provided, single submitter. Criteria: Invitae Variant Classification Sherloc (09022015). Collection method: clinical testing. Allele origin: germline.
Comment: This sequence change affects a donor splice site in intron 7 of the TNNI3K gene. It is expected to disrupt RNA splicing. Variants that disrupt the donor or acceptor splice site typically lead to a loss of protein function (PMID: 16199547), however the current clinical and genetic evidence is not sufficient to establish whether loss-of-function variants in TNNI3K cause disease. This variant is not present in population databases (gnomAD no frequency). This variant has not been reported in the literature in individuals affected with TNNI3K-related conditions. Experimental studies and prediction algorithms are not available or were not evaluated, and the functional significance of this variant is currently unknown. Algorithms developed to predict the effect of sequence changes on RNA splicing suggest that this variant may disrupt the consensus splice site. In summary, the available evidence is currently insufficient to determine the role of this variant in disease. Therefore, it has been classified as a Variant of Uncertain Significance.

Literature cited by the submitters: PubMed 16199547.

NM_015978.3(TNNI3K):c.682+1G>A

Genes: FPGT-TNNI3K (FPGT-TNNI3K readthrough; plus strand), TNNI3K (TNNI3 interacting kinase; plus strand). Cytogenetic location: 1p31.1.
Variant type: single nucleotide variant.
Coding change: c.682+1G>A on transcript NM_015978.3 (MANE Select); the canonical splice donor site of the intron after coding-DNA position 682, G replaced by A.
Molecular consequence: splice donor variant.
Genome position (GRCh38, 1-based): chr1:74,336,150, G>A. VCF-style: chr1-74336150-G-A. GRCh37 (hg19) VCF-style: chr1-74801834-G-A.
Other names: c.985+1G>A (NM_001112808.3, NM_001199327.2).
Identifiers: ClinVar variation 4781566 (VCV004781566.1).
Genomic context (GRCh38, chr1:74,336,150, plus strand): 5'-CTGCAAAAGGATTCTTGAATATTGCAAAACTCTTGATGGAAGAAGGCAGCAAAGCAGATG[G>A]TAAGATTATATATTTAAAAGACCTTTGCTATCATTTGCTTTATGTATACCTTTTACTTGT-3'